The following is an entry in ClinVar:

NM_020759.3(STARD9):c.1254+4T>G

Gene: STARD9 (StAR related lipid transfer domain containing 9; plus strand). Cytogenetic location: 15q15.2.
Variant type: single nucleotide variant.
Coding change: c.1254+4T>G on transcript NM_020759.3 (MANE Select); 4 bases into the intron after coding-DNA position 1254, T replaced by G.
Molecular consequence: intron variant.
Genome position (GRCh38, 1-based): chr15:42,665,334, T>G. VCF-style: chr15-42665334-T-G. GRCh37 (hg19) VCF-style: chr15-42957532-T-G.
Other names: c.1254+4T>G (NM_020759.2).
Identifiers: ClinVar variation 1223154 (VCV001223154.6), dbSNP rs8024902, ClinGen allele CA7514078.

ClinVar aggregate classification (germline): Benign. Review status: criteria provided, multiple submitters, no conflicts (2 of 4 stars). 3 submissions from 3 submitters: Benign (2). 1 of the submissions does not count toward it. Last evaluated 2020-08-10.

Conditions:
STARD9-related disorder. Also called: STARD9-related condition.

Allele frequency attached by ClinVar (database versions not stated): gnomAD exomes 0.21184; TOPMed 0.23678; gnomAD 0.24348 and 0.24353; 1000 Genomes Project 0.25200; 1000 Genomes Project 30x 0.25906; ExAC 0.30074; ESP Exome Variant Server 0.24737.
gnomAD v4.1: 315,190 of 1,533,950 alleles (21%); highest among the groups gnomAD compares: African/African-American, 38%; 36,186 homozygotes.

Submissions (3):

GeneDx
Classification: Benign. Last evaluated: 2020-08-10. Review status: criteria provided, single submitter. Criteria: GeneDx Variant Classification Process June 2021. Collection method: clinical testing. Allele origin: germline. Affected: yes.

Breakthrough Genomics
Classification: Benign. Review status: criteria provided, single submitter. Criteria: ACMG Guidelines, 2015. Collection method: not provided. Allele origin: germline. Inheritance: Unknown mechanism. Affected: yes.

PreventionGenetics, part of Exact Sciences
Classification: Benign for STARD9-related condition. Last evaluated: 2019-10-22. Review status: no assertion criteria provided. Collection method: clinical testing. Allele origin: germline. Not counted in ClinVar's aggregate classification.
Comment: This variant is classified as benign based on ACMG/AMP sequence variant interpretation guidelines (Richards et al. 2015 PMID: 25741868, with internal and published modifications).